The following is an entry in ClinVar:

NM_152381.6(XIRP2):c.7095G>A (p.Pro2365=)

Gene: XIRP2 (xin actin binding repeat containing 2; plus strand). Cytogenetic location: 2q24.3.
Variant type: single nucleotide variant.
Coding change: c.7095G>A on transcript NM_152381.6 (MANE Select); coding-DNA position 7095, G replaced by A.
Protein change: p.Pro2365=; no amino-acid change (proline 2365 retained).
Molecular consequence: synonymous variant. On other transcripts: intron variant (3).
Genome position (GRCh38, 1-based): chr2:167,248,487, G>A. VCF-style: chr2-167248487-G-A. GRCh37 (hg19) VCF-style: chr2-168104997-G-A.
Other names: c.6429G>A, p.Pro2143= (NM_001199144.2); c.1276-5545G>A (NM_001199143.2); c.1177-5545G>A (NM_001079810.4); c.511-5545G>A (NM_001199145.2).
Identifiers: ClinVar variation 3039879 (VCV003039879.2), dbSNP rs149765008, ClinGen allele CA1947550.

ClinVar aggregate classification (germline): Likely benign (0 of 4 stars; one submission).

Conditions:
XIRP2-related disorder. Also called: XIRP2-related condition.

Allele frequency attached by ClinVar (database versions not stated): ExAC 0.00040; ESP Exome Variant Server 0.00065; gnomAD 0.00101; TOPMed 0.00101; 1000 Genomes Project 30x 0.00281; 1000 Genomes Project 0.00300.
gnomAD v4.1: 376 of 1,613,334 alleles (0.023%); highest among the groups gnomAD compares: African/African-American, 0.34%; 2 homozygotes.

Submission:

PreventionGenetics, part of Exact Sciences
Classification: Likely benign for XIRP2-related condition. Last evaluated: 2019-03-01. Review status: no assertion criteria provided. Collection method: clinical testing. Allele origin: germline.
Comment: This variant is classified as likely benign based on ACMG/AMP sequence variant interpretation guidelines (Richards et al. 2015 PMID: 25741868, with internal and published modifications).